The following is an entry in ClinVar:

NM_015910.7(WDPCP):c.1504T>C (p.Tyr502His)

Gene: WDPCP (WD repeat containing planar cell polarity effector; minus strand). Cytogenetic location: 2p15.
Variant type: single nucleotide variant.
Coding change: c.1504T>C on transcript NM_015910.7 (MANE Select); coding-DNA position 1504, T replaced by C.
Protein change: p.Tyr502His; replaces tyrosine 502 with histidine.
Molecular consequence: missense variant. On other transcripts: non-coding transcript variant (3).
Genome position (GRCh38, 1-based): chr2:63,382,026, A>G on the plus strand (T>C on the coding strand, the complement: WDPCP is on the minus strand). VCF-style: chr2-63382026-A-G. GRCh37 (hg19) VCF-style: chr2-63609161-A-G.
Other names: c.1027T>C, p.Tyr343His (NM_001042692.3); c.1432T>C, p.Tyr478His (NM_001354044.2); c.1504T>C, p.Tyr502His (NM_001354045.2); short protein forms Y343H, Y478H, Y502H.
Identifiers: ClinVar variation 3348469 (VCV003348469.1).

ClinVar aggregate classification (germline): Uncertain significance (0 of 4 stars; one submission).

Conditions:
WDPCP-related disorder. Also called: WDPCP-related condition.

Submission:

PreventionGenetics, part of Exact Sciences
Classification: Uncertain significance for WDPCP-related condition. Last evaluated: 2024-03-21. Review status: no assertion criteria provided. Collection method: clinical testing. Allele origin: germline.
Comment: The WDPCP c.1504T>C variant is predicted to result in the amino acid substitution p.Tyr502His. To our knowledge, this variant has not been reported in the literature or in a large population database, indicating this variant is rare. At this time, the clinical significance of this variant is uncertain due to the absence of conclusive functional and genetic evidence.